The following is an entry in ClinVar:

ClinVar aggregate classification (germline): Pathogenic. Review status: criteria provided, multiple submitters, no conflicts (2 of 4 stars). 3 submissions from 3 submitters: Pathogenic (3). Last evaluated 2025-07-10.

Conditions:
Acral peeling skin syndrome. Also called: Peeling skin syndrome 2. Identifiers: Orphanet 263534, MedGen C1853354, MONDO:0012345, OMIM 609796.

Submissions (3):

First Genomix Gene Laboratory, Genetic Diagnostics Department
Classification: Pathogenic for Acral peeling skin syndrome. Last evaluated: 2025-07-10. Review status: criteria provided, single submitter. Criteria: ACMG Guidelines, 2015. Collection method: clinical testing. Allele origin: germline. Inheritance: Autosomal recessive inheritance. Affected: no. Observed: 1 variant allele.

GeneDx
Classification: Pathogenic. Last evaluated: 2025-03-06. Review status: criteria provided, single submitter. Criteria: GeneDx Variant Classification Process June 2021. Collection method: clinical testing. Allele origin: germline. Affected: yes.
Comment: Canonical splice site variant predicted to result in a null allele in a gene for which loss of function is a known mechanism of disease; Not observed at significant frequency in large population cohorts (gnomAD); This variant is associated with the following publications: (PMID: 25644735, 34426522, 31589614)

Revvity Omics, Revvity
Classification: Pathogenic for Acral peeling skin syndrome. Last evaluated: 2024-06-21. Review status: criteria provided, single submitter. Criteria: ACMG Guidelines, 2015. Collection method: clinical testing. Allele origin: germline.

NM_201631.4(TGM5):c.1001+2_1001+3del

Gene: TGM5 (transglutaminase 5; minus strand). Cytogenetic location: 15q15.2.
Variant type: Deletion.
Coding change: c.1001+2_1001+3del on transcript NM_201631.4 (MANE Select); the canonical splice donor site of the intron after coding-DNA position 1001 through 3 bases into the intron after coding-DNA position 1001, 2 bases deleted (TG; older notation c.1001+2_1001+3delTG).
Molecular consequence: splice donor variant.
Genome position (GRCh38, 1-based): chr15:43,240,849-43,240,850, CA deleted on the plus strand (TG on the coding strand, the reverse complement: TGM5 is on the minus strand); deleting any 2 consecutive bases within chr15:43,240,849-43,240,851 gives the same sequence; the c. name uses the placement nearest the transcript's 3' end. VCF-style (leftmost placement, unchanged base first): chr15-43240848-TCA-T. GRCh37 (hg19) VCF-style: chr15-43533046-TCA-T.
Other names: c.755+2_755+3del (NM_004245.4); c.1001+2_1001+3delTG (NM_201631.3, NM_201631.4).
Identifiers: ClinVar variation 420028 (VCV000420028.7), dbSNP rs748610718, ClinGen allele CA7521129.